The following is an entry in ClinVar:

NM_006096.4(NDRG1):c.1152C>T (p.Ser384=)

Gene: NDRG1 (N-myc downstream regulated 1; minus strand). Cytogenetic location: 8q24.22.
Variant type: single nucleotide variant.
Coding change: c.1152C>T on transcript NM_006096.4 (MANE Select); coding-DNA position 1152, C replaced by T.
Protein change: p.Ser384=; no amino-acid change (serine 384 retained).
Molecular consequence: synonymous variant.
Genome position (GRCh38, 1-based): chr8:133,238,911, G>A on the plus strand (C>T on the coding strand, the complement: NDRG1 is on the minus strand). VCF-style: chr8-133238911-G-A. GRCh37 (hg19) VCF-style: chr8-134251154-G-A.
Other names: c.1152C>T, p.Ser384= (NM_001135242.2, NM_001374845.1, NM_001374846.1); c.954C>T, p.Ser318= (NM_001258432.2, NM_001374847.1); c.909C>T, p.Ser303= (NM_001258433.2); c.1203C>T, p.Ser401= (NM_001374844.1).
Identifiers: ClinVar variation 215862 (VCV000215862.14), dbSNP rs863224413, ClinGen allele CA337769.

ClinVar aggregate classification (germline): Likely benign. Review status: criteria provided, multiple submitters, no conflicts (2 of 4 stars). 4 submissions from 4 submitters: Likely benign (4). Last evaluated 2025-11-09.

Conditions:
NDRG1-related disorder. Also called: NDRG1-related condition.
Inborn genetic diseases. Identifiers: MedGen C0950123, MeSH D030342.
Charcot-Marie-Tooth disease type 4. Also called: Charcot-Marie-Tooth disease, type IV; Charcot-Marie-Tooth, Type 4. Identifiers: Orphanet 64749, MedGen C4082197, MONDO:0018995.

Allele frequency attached by ClinVar (database versions not stated): gnomAD 0.00002 and 0.00003; TOPMed 0.00002; gnomAD exomes 0.00005 and 0.00009.
gnomAD v4.1: 135 of 1,559,838 alleles (0.0087%); highest among the groups gnomAD compares: Non-Finnish European, 0.011%; 1 homozygote.

Submissions (4):

Labcorp Genetics (formerly Invitae), Labcorp
Classification: Likely benign for Charcot-Marie-Tooth disease type 4. Last evaluated: 2025-11-09. Review status: criteria provided, single submitter. Criteria: Invitae Variant Classification Sherloc (09022015). Collection method: clinical testing. Allele origin: germline.

PreventionGenetics, part of Exact Sciences
Classification: Likely benign for NDRG1-related condition. Last evaluated: 2025-03-12. Review status: criteria provided, single submitter. Criteria: ACMG Guidelines, 2015. Collection method: clinical testing. Allele origin: germline.
Comment: This variant is classified as likely benign based on ACMG/AMP sequence variant interpretation guidelines (Richards et al. 2015 PMID: 25741868, with internal and published modifications).

Ambry Genetics
Classification: Likely benign for Inborn genetic diseases. Last evaluated: 2019-07-11. Review status: criteria provided, single submitter. Criteria: Ambry Variant Classification Scheme 2023. Collection method: clinical testing. Allele origin: germline.

GeneDx
Classification: Likely benign. Last evaluated: 2017-01-05. Review status: criteria provided, single submitter. Criteria: GeneDx Variant Classification (06012015). Collection method: clinical testing. Allele origin: germline. Affected: yes.
Comment: This variant is considered likely benign or benign based on one or more of the following criteria: it is a conservative change, it occurs at a poorly conserved position in the protein, it is predicted to be benign by multiple in silico algorithms, and/or has population frequency not consistent with disease.